The following is an entry in ClinVar:

ClinVar aggregate classification (germline): Uncertain significance (1 of 4 stars; one submission).

Allele frequency attached by ClinVar (database versions not stated): TOPMed below 0.00001; ExAC 0.00001; gnomAD 0.00001.
gnomAD v4.1: 1 of 1,609,212 alleles (0.000062%); highest among the groups gnomAD compares: Non-Finnish European, 0.000085%; no homozygotes.

Submission:

Labcorp Genetics (formerly Invitae), Labcorp
Classification: Uncertain significance. Last evaluated: 2022-04-07. Review status: criteria provided, single submitter. Criteria: Invitae Variant Classification Sherloc (09022015). Collection method: clinical testing. Allele origin: germline.
Comment: In summary, the available evidence is currently insufficient to determine the role of this variant in disease. Therefore, it has been classified as a Variant of Uncertain Significance. Algorithms developed to predict the effect of missense changes on protein structure and function (SIFT, PolyPhen-2, Align-GVGD) all suggest that this variant is likely to be disruptive. This variant has not been reported in the literature in individuals affected with LPIN1-related conditions. This variant is present in population databases (rs779902634, gnomAD 0.0009%). This sequence change replaces leucine, which is neutral and non-polar, with arginine, which is basic and polar, at codon 461 of the LPIN1 protein (p.Leu461Arg).

NM_001349206.2(LPIN1):c.1490T>G (p.Leu497Arg)

Genes: LPIN1 (lipin 1; plus strand), LOC122756382 (Sharpr-MPRA regulatory region 7856; plus strand). Cytogenetic location: 2p25.1.
Variant type: single nucleotide variant.
Coding change: c.1490T>G on transcript NM_001349206.2 (MANE Select); coding-DNA position 1490, T replaced by G.
Protein change: p.Leu497Arg; replaces leucine 497 with arginine.
Molecular consequence: missense variant. On other transcripts: non-coding transcript variant (1).
Genome position (GRCh38, 1-based): chr2:11,785,017, T>G. VCF-style: chr2-11785017-T-G. GRCh37 (hg19) VCF-style: chr2-11925143-T-G.
Other names: c.1400T>G, p.Leu467Arg (NM_001261427.3); c.1637T>G, p.Leu546Arg (NM_001261428.3); c.1382T>G, p.Leu461Arg (NM_001349199.2, NM_001349200.2, NM_001349201.2 and 1 more transcripts); c.1487T>G, p.Leu496Arg (NM_001349202.2, NM_001349203.2); c.1490T>G, p.Leu497Arg (NM_001349204.2, NM_001349205.2); c.1580T>G, p.Leu527Arg (NM_001349207.2); c.1529T>G, p.Leu510Arg (NM_001349208.2); short protein forms L461R, L496R, L467R, L527R, L497R, L510R, L546R.
Identifiers: ClinVar variation 1937537 (VCV001937537.5), dbSNP rs779902634, ClinGen allele CA1533722.